The following is an entry in ClinVar:

ClinVar aggregate classification (germline): Pathogenic/Likely pathogenic. Review status: criteria provided, multiple submitters, no conflicts (2 of 4 stars). 3 submissions from 3 submitters: Pathogenic (1); Likely pathogenic (2). Last evaluated 2024-10-25.

Conditions:
Hereditary cancer-predisposing syndrome. Also called: Hereditary neoplastic syndrome; Neoplastic Syndromes, Hereditary; Tumor predisposition; Hereditary Cancer Syndrome. Identifiers: Orphanet 140162, MedGen C0027672, MeSH D009386, MONDO:0015356.
Familial thoracic aortic aneurysm and aortic dissection (TAAD). Also called: Thoracic aortic aneurysms and dissections. Identifiers: Orphanet 91387, MedGen C4707243, MONDO:0019625.
Juvenile polyposis syndrome (JPS). Identifiers: Orphanet 2929, MedGen C0345893, MONDO:0017380, OMIM 174900.
Juvenile polyposis/hereditary hemorrhagic telangiectasia syndrome (JPHT). Also called: JP/HHT SYNDROME; JUVENILE POLYPOSIS WITH HEREDITARY HEMORRHAGIC TELANGIECTASIA; POLYPOSIS, GENERALIZED JUVENILE, WITH PULMONARY ARTERIOVENOUS MALFORMATION; TELANGIECTASIA, HEREDITARY HEMORRHAGIC, WITH JUVENILE POLYPOSIS COLI; Juvenile Polyposis Syndrome / Hereditary Hemorrhagic Telangiectasia (JPS/HHT). Identifiers: Orphanet 2929, MedGen C1832942, MONDO:0008278, OMIM 175050.

Submissions (3):

Ambry Genetics
Classification: Pathogenic for Hereditary cancer-predisposing syndrome; Familial thoracic aortic aneurysm and aortic dissection. Last evaluated: 2024-10-25. Review status: criteria provided, single submitter. Criteria: Ambry Variant Classification Scheme 2023. Collection method: clinical testing. Allele origin: germline.
Comment: The c.1139G>A pathogenic mutation (also known as p.R380K), located in coding exon 8 of the SMAD4 gene, results from a G to A substitution at nucleotide position 1139. The amino acid change results in arginine to lysine at codon 380, an amino acid with highly similar properties. However, this change occurs in the last base pair of coding exon 8, which makes it likely to have some effect on normal mRNA splicing. This variant has been observed in multiple individuals with a personal and/or family history that is consistent with juvenile polyposis (Aretz S et al. J Med Genet, 2007 Nov;44:702-9; Ambry internal data). This variant is considered to be rare based on population cohorts in the Genome Aggregation Database (gnomAD). This nucleotide position is highly conserved in available vertebrate species. In silico splice site analysis predicts that this alteration will weaken the native splice donor site. RNA studies have demonstrated that this alteration results in abnormal splicing in the set of samples tested (Aretz S et al. J Med Genet, 2007 Nov;44:702-9; Ambry internal data). In addition, this alteration is predicted to be deleterious by in silico analysis. Based on the supporting evidence, this variant is interpreted as a disease-causing mutation.

Labcorp Genetics (formerly Invitae), Labcorp
Classification: Likely pathogenic for Juvenile polyposis syndrome. Last evaluated: 2024-08-06. Review status: criteria provided, single submitter. Criteria: Invitae Variant Classification Sherloc (09022015). Collection method: clinical testing. Allele origin: germline.
Comment: This sequence change affects codon 380 of the SMAD4 mRNA. It is a 'silent' change, meaning that it does not change the encoded amino acid sequence of the SMAD4 protein. This variant also falls at the last nucleotide of exon 9, which is part of the consensus splice site for this exon. This variant is not present in population databases (gnomAD no frequency). This variant has been observed in individuals with clinical features of SMAD4-related conditions (PMID: 25931195; Invitae). ClinVar contains an entry for this variant (Variation ID: 38283). An algorithm developed to predict the effect of missense changes on protein structure and function (PolyPhen-2) suggests that this variant is likely to be disruptive. Variants that disrupt the consensus splice site are a relatively common cause of aberrant splicing (PMID: 17576681, 9536098). Algorithms developed to predict the effect of sequence changes on RNA splicing suggest that this variant may disrupt the consensus splice site. In summary, the currently available evidence indicates that the variant is pathogenic, but additional data are needed to prove that conclusively. Therefore, this variant has been classified as Likely Pathogenic.

Myriad Genetics, Inc.
Classification: Likely pathogenic for Juvenile polyposis/hereditary hemorrhagic telangiectasia syndrome. Last evaluated: 2024-02-09. Review status: criteria provided, single submitter. Criteria: Myriad Autosomal Dominant, Autosomal Recessive and X-Linked Classification Criteria (2023). Collection method: clinical testing. Allele origin: unknown.
Comment: This variant is considered likely pathogenic. This variant has been reported in multiple individuals with clinical features of gene-specific disease [PMID: 17873119, 25931195]. mRNA analysis has demonstrated abnormal mRNA splicing occurs [PMID: 17873119].

Literature cited by the submitters: PubMed 17873119 (cited by Ambry Genetics and Myriad Genetics, Inc.); PubMed 25931195 (cited by Labcorp Genetics (formerly Invitae), Labcorp and Myriad Genetics, Inc.); PubMed 17576681 (cited by Labcorp Genetics (formerly Invitae), Labcorp); PubMed 9536098 (cited by Labcorp Genetics (formerly Invitae), Labcorp).

NM_005359.6(SMAD4):c.1139G>A (p.Arg380Lys)

Gene: SMAD4 (SMAD family member 4; plus strand). Cytogenetic location: 18q21.2.
Variant type: single nucleotide variant.
Coding change: c.1139G>A on transcript NM_005359.6 (MANE Select); coding-DNA position 1139, G replaced by A.
Protein change: p.Arg380Lys; replaces arginine 380 with lysine.
Molecular consequence: missense variant.
Genome position (GRCh38, 1-based): chr18:51,065,606, G>A. VCF-style: chr18-51065606-G-A. GRCh37 (hg19) VCF-style: chr18-48591976-G-A.
Other names: short protein forms R380K.
Identifiers: ClinVar variation 38283 (VCV000038283.15), dbSNP rs377767353, ClinGen allele CA259219.